The following is an entry in ClinVar:

ClinVar aggregate classification (germline): Pathogenic. Review status: criteria provided, multiple submitters, no conflicts (2 of 4 stars). 5 submissions from 5 submitters: Pathogenic (4). 1 of the submissions does not count toward it. Last evaluated 2024-03-29.

Conditions:
Argininosuccinate lyase deficiency. Also called: Argininosuccinic aciduria; ARGININOSUCCINIC ACID LYASE DEFICIENCY; ASL DEFICIENCY. Identifiers: Orphanet 23, MedGen C0268547, MONDO:0008815, OMIM 207900, HP:0025630.

Submissions (5):

Baylor Genetics
Classification: Pathogenic for Argininosuccinate lyase deficiency. Last evaluated: 2024-03-29. Review status: criteria provided, single submitter. Criteria: ACMG Guidelines, 2015. Collection method: clinical testing. Allele origin: unknown.

Laboratorio de Genetica e Diagnostico Molecular, Hospital Israelita Albert Einstein
Classification: Pathogenic for Argininosuccinate lyase deficiency. Last evaluated: 2024-02-29. Review status: criteria provided, single submitter. Criteria: ACMG Guidelines, 2015. Collection method: clinical testing. Allele origin: germline. Affected: yes.
Comment: ACMG classification criteria: PVS1 very strong, PM2 supporting, PM3 moderate

Labcorp Genetics (formerly Invitae), Labcorp
Classification: Pathogenic for Argininosuccinate lyase deficiency. Last evaluated: 2023-06-12. Review status: criteria provided, single submitter. Criteria: Invitae Variant Classification Sherloc (09022015). Collection method: clinical testing. Allele origin: germline.
Comment: For these reasons, this variant has been classified as Pathogenic. ClinVar contains an entry for this variant (Variation ID: 954795). This premature translational stop signal has been observed in individuals with argininosuccinate lyase deficiency (PMID: 17326097). This variant is not present in population databases (gnomAD no frequency). This sequence change creates a premature translational stop signal (p.Ser184*) in the ASL gene. It is expected to result in an absent or disrupted protein product. Loss-of-function variants in ASL are known to be pathogenic (PMID: 2263616, 24166829).

Women's Health and Genetics/Laboratory Corporation of America, LabCorp
Classification: Pathogenic for Argininosuccinate lyase deficiency. Last evaluated: 2021-08-08. Review status: criteria provided, single submitter. Criteria: LabCorp Variant Classification Summary - May 2015. Collection method: clinical testing. Allele origin: germline.
Comment: Variant summary: ASL c.551_552delCT (p.Ser184X) results in a premature termination codon, predicted to cause a truncation of the encoded protein or absence of the protein due to nonsense mediated decay, which are commonly known mechanisms for disease. Truncations downstream of this position have been classified as pathogenic by our laboratory. The variant was absent in 227286 control chromosomes. c.551_552delCT has been reported in the literature in multiple individuals affected with Argininosuccinic Aciduria (example, Trevisson_2007, Brambilla_2019). These data indicate that the variant is very likely to be associated with disease. To our knowledge, no experimental evidence demonstrating an impact on protein function has been reported. One clinical diagnostic laboratory has submitted clinical-significance assessments for this variant to ClinVar after 2014 without evidence for independent evaluation and classified the variant as pathogenic. Based on the evidence outlined above, the variant was classified as pathogenic.

Natera, Inc.
Classification: Pathogenic for Argininosuccinate lyase deficiency. Last evaluated: 2021-07-15. Review status: no assertion criteria provided. Collection method: clinical testing. Allele origin: germline. Not counted in ClinVar's aggregate classification.

Literature cited by the submitters: PubMed 17326097 (cited by Labcorp Genetics (formerly Invitae), Labcorp and Women's Health and Genetics/Laboratory Corporation of America, LabCorp); PubMed 2263616 (cited by Labcorp Genetics (formerly Invitae), Labcorp); PubMed 24166829 (cited by Labcorp Genetics (formerly Invitae), Labcorp); PubMed 31056765 (cited by Women's Health and Genetics/Laboratory Corporation of America, LabCorp).

NM_000048.4(ASL):c.551_552del (p.Asp183_Ser184insTer)

Gene: ASL (argininosuccinate lyase; plus strand). Cytogenetic location: 7q11.21.
Variant type: Microsatellite.
Coding change: c.551_552del on transcript NM_000048.4 (MANE Select); coding-DNA positions 551 to 552, 2 bases deleted (CT; older notation c.551_552delCT).
Protein change: p.Asp183_Ser184insTer.
Molecular consequence: nonsense. On other transcripts: intron variant (1).
Genome position (GRCh38, 1-based): chr7:66,086,770-66,086,771, CT deleted; deleting any 2 consecutive bases within chr7:66,086,768-66,086,771 gives the same sequence; the c. name uses the placement nearest the transcript's 3' end. VCF-style (leftmost placement, unchanged base first): chr7-66086767-ACT-A. GRCh37 (hg19) VCF-style: chr7-65551754-ACT-A.
Other names: c.551_552delCT (NM_000048.3); c.551_552del, p.Asp183_Ser184insTer (NM_001024943.2, NM_001024944.2); c.524+108_524+109del (NM_001024946.2).
Identifiers: ClinVar variation 954795 (VCV000954795.16), dbSNP rs1786675239, ClinGen allele CA658820853.
Genomic context (GRCh38, chr7:66,086,767, plus strand): 5'-CGGCTGCCCTGACCCTCCTGCCCCTGGCTTCCCACAGCCACGCCGTGGCACTGACCCGAG[ACT>A]CTGAGCGGCTGCTGGAGGTGCGGAAGCGGATCAATGTCCTGCCCCTGGGGAGGTGGGTGA-3'